The following is an entry in ClinVar:

NM_014915.3(ANKRD26):c.4129T>C (p.Tyr1377His)

Gene: ANKRD26 (ankyrin repeat domain 26; minus strand). Cytogenetic location: 10p12.1.
Variant type: single nucleotide variant.
Coding change: c.4129T>C on transcript NM_014915.3 (MANE Select); coding-DNA position 4129, T replaced by C.
Protein change: p.Tyr1377His; replaces tyrosine 1377 with histidine.
Molecular consequence: missense variant.
Genome position (GRCh38, 1-based): chr10:27,022,644, A>G on the plus strand (T>C on the coding strand, the complement: ANKRD26 is on the minus strand). VCF-style: chr10-27022644-A-G. GRCh37 (hg19) VCF-style: chr10-27311573-A-G.
Other names: c.4126T>C, p.Tyr1376His (NM_001256053.2); short protein forms Y1376H, Y1377H.
Identifiers: ClinVar variation 5023677 (VCV005023677.1).

ClinVar aggregate classification (germline): Uncertain significance (1 of 4 stars; one submission).

Conditions:
Inborn genetic diseases. Identifiers: MedGen C0950123, MeSH D030342.

Submission:

Ambry Genetics
Classification: Uncertain significance for Inborn genetic diseases. Last evaluated: 2026-08-28. Review status: criteria provided, single submitter. Criteria: Ambry Variant Classification Scheme 2023. Collection method: clinical testing. Allele origin: germline.
Comment: The p.Y1377H variant (also known as c.4129T>C), located in coding exon 29 of the ANKRD26 gene, results from a T to C substitution at nucleotide position 4129. The tyrosine at codon 1377 is replaced by histidine, an amino acid with similar properties. This amino acid position is conserved. In addition, this alteration is predicted to be tolerated by in silico analysis. Based on the available evidence, the clinical significance of this variant remains unclear.